The following is an entry in ClinVar:

NC_000013.10:g.(?_41363746)_(41386597_?)dup

Gene: SLC25A15 (solute carrier family 25 member 15; plus strand). Cytogenetic location: 13q14.11.
Variant type: Duplication.
Identifiers: ClinVar variation 3233651 (VCV003233651.2).

ClinVar aggregate classification (germline): Uncertain significance (1 of 4 stars; one submission).

Submission:

Women's Health and Genetics/Laboratory Corporation of America, LabCorp
Classification: Uncertain significance. Last evaluated: 2024-03-05. Review status: criteria provided, single submitter. Criteria: LabCorp Variant Classification Summary - May 2015. Collection method: clinical testing. Allele origin: germline.
Comment: Variant summary: The variant involves the duplication of the SLC25A15 gene (exons 1-7). A presumed nomenclature of c.(?_-123)_(*2794_?)dup has been designated for the purposes of this classification. This duplication includes the entire coding sequence of the gene. As exact breakpoints are unknown, it may extend beyond the annotated region of the gene, to include other flanking genes. A large duplication variant (size: ~169 kbp) which encompassed the SLC25A15 gene (and also affects other flanking genes) was found at a frequency of 4.6e-05 (i.e. 1 allele) in 21662 control chromosomes in the gnomAD database (Structural Variants v2.1 dataset). The available data on variant occurrences in the general population are insufficient to allow any conclusion about variant significance. To our knowledge, no occurrence of c.(?_-123)_(*2794_?)dup in individuals affected with Hyperornithinemia-Hyperammonemia-Homocitrullinuria Syndrome and no experimental evidence demonstrating its impact on protein function have been reported. ClinVar contains an entry for this variant (Variation ID: 2425928). Based on the evidence outlined above, the variant was classified as uncertain significance.